The following is an entry in ClinVar:

ClinVar aggregate classification (germline): Conflicting classifications of pathogenicity. Review status: criteria provided, conflicting classifications (1 of 4 stars). 3 submissions from 3 submitters: Uncertain significance (1); Likely benign (2). Last evaluated 2026-03-26.

Conditions:
Inborn genetic diseases. Identifiers: MedGen C0950123, MeSH D030342.
KBG syndrome (KBGS). Also called: ANKRD11-Related KBG Syndrome. Identifiers: Orphanet 2332, MedGen C0220687, MONDO:0007846, OMIM 148050.

Allele frequency attached by ClinVar (database versions not stated): TOPMed 0.00001; gnomAD exomes 0.00002; 1000 Genomes Project 30x 0.00016; 1000 Genomes Project 0.00020.
gnomAD v4.1: 31 of 1,613,864 alleles (0.0019%); highest among the groups gnomAD compares: Admixed American, 0.0083%; no homozygotes.

Submissions (3):

Ambry Genetics
Classification: Likely benign for Inborn genetic diseases. Last evaluated: 2026-03-26. Review status: criteria provided, single submitter. Criteria: Ambry Variant Classification Scheme 2023. Collection method: clinical testing. Allele origin: germline.

CeGaT Center for Human Genetics Tuebingen
Classification: Likely benign. Last evaluated: 2026-03-01. Review status: criteria provided, single submitter. Criteria: CeGaT Center For Human Genetics Tuebingen Variant Classification Criteria Version 2. Collection method: clinical testing. Allele origin: germline. Affected: yes. Observed: 1 variant allele.
Comment: ANKRD11: BP4

Labcorp Genetics (formerly Invitae), Labcorp
Classification: Uncertain significance for KBG syndrome. Last evaluated: 2025-01-22. Review status: criteria provided, single submitter. Criteria: Invitae Variant Classification Sherloc (09022015). Collection method: clinical testing. Allele origin: germline.
Comment: This sequence change replaces arginine, which is basic and polar, with lysine, which is basic and polar, at codon 941 of the ANKRD11 protein (p.Arg941Lys). This variant is present in population databases (rs557043654, gnomAD 0.01%). This variant has not been reported in the literature in individuals affected with ANKRD11-related conditions. ClinVar contains an entry for this variant (Variation ID: 2001233). Invitae Evidence Modeling of protein sequence and biophysical properties (such as structural, functional, and spatial information, amino acid conservation, physicochemical variation, residue mobility, and thermodynamic stability) indicates that this missense variant is not expected to disrupt ANKRD11 protein function with a negative predictive value of 95%. In summary, the available evidence is currently insufficient to determine the role of this variant in disease. Therefore, it has been classified as a Variant of Uncertain Significance.

NM_013275.6(ANKRD11):c.2822G>A (p.Arg941Lys)

Gene: ANKRD11 (ankyrin repeat domain 11; minus strand). Cytogenetic location: 16q24.3.
Variant type: single nucleotide variant.
Coding change: c.2822G>A on transcript NM_013275.6 (MANE Select); coding-DNA position 2822, G replaced by A.
Protein change: p.Arg941Lys; replaces arginine 941 with lysine.
Molecular consequence: missense variant.
Genome position (GRCh38, 1-based): chr16:89,283,720, C>T on the plus strand (G>A on the coding strand, the complement: ANKRD11 is on the minus strand). VCF-style: chr16-89283720-C-T. GRCh37 (hg19) VCF-style: chr16-89350128-C-T.
Other names: c.2822G>A, p.Arg941Lys (NM_001256182.2, NM_001256183.2); c.2822G>A (NM_013275.4); short protein forms R941K.
Identifiers: ClinVar variation 2001233 (VCV002001233.9), dbSNP rs557043654, ClinGen allele CA286518863.